The following is an entry in ClinVar:

ClinVar aggregate classification (germline): Uncertain significance (1 of 4 stars; one submission).

Conditions:
Cardiomyopathy (CMYO). Also called: Cardiomyopathies. Identifiers: Orphanet 167848, MedGen C0878544, MONDO:0004994, HP:0001638. Inheritance: Various modes of inheritance.

Submission:

Color Diagnostics, LLC DBA Color Health
Classification: Uncertain significance for Cardiomyopathy. Last evaluated: 2023-10-02. Review status: criteria provided, single submitter. Criteria: ACMG Guidelines, 2015. Collection method: clinical testing. Allele origin: germline.
Comment: This variant inserts 1 nucleotide in exon 5 of the MYL2 gene, creating a frameshift and premature translation stop signal. This variant is expected to result in an absent or non-functional protein product. To our knowledge, this variant has not been reported in individuals affected with MYL2-related disorders in the literature. This variant has been identified in 1/251494 chromosomes in the general population by the Genome Aggregation Database (gnomAD). Clinical relevance of loss-of-function MYL2 truncation variants in autosomal dominant cardiovascular disorders is not clearly established. The available evidence is insufficient to determine the role of this variant in disease conclusively. Therefore, this variant is classified as a Variant of Uncertain Significance.

NM_000432.4(MYL2):c.337dup (p.Val113fs)

Gene: MYL2 (myosin light chain 2; minus strand). Cytogenetic location: 12q24.11.
Variant type: Duplication.
Coding change: c.337dup on transcript NM_000432.4 (MANE Select); coding-DNA position 337, one base duplicated (G; older notation c.337dupG).
Protein change: p.Val113fs; shifts the reading frame from valine 113.
Molecular consequence: frameshift variant.
Genome position (GRCh38, 1-based): chr12:110,913,262, C duplicated on the plus strand (G on the coding strand, the reverse complement: MYL2 is on the minus strand); the first of 4 consecutive C bases (chr12:110,913,262-110,913,265); duplicating any one gives the same sequence. VCF-style (leftmost placement, unchanged base first): chr12-110913261-A-AC. GRCh37 (hg19) VCF-style: chr12-111351065-A-AC.
Other names: c.295dup, p.Val99fs (NM_001406745.1); c.292dup, p.Val99Glyfs (NM_001406746.1); c.280dup, p.Val94fs (NM_001406916.1); short protein forms V99fs, V94fs, V113fs.
Identifiers: ClinVar variation 2773979 (VCV002773979.2), dbSNP rs1463626538, ClinGen allele CA607329564.
Genomic context (GRCh38, chr12:110,913,261, plus strand): 5'-GGGGCAAGCAGGGAACCCCCTTCCTCCCCCACAGACCCCACTCACTAATCAGCCTTCAGC[A>AC]CCCCTTTGCCTTCAGGGTCAAACACTTTGAATGCGTTGAGAATGGTTTCCTCAGGGTCCG-3'